The following is an entry in ClinVar:

ClinVar aggregate classification (germline): Uncertain significance (1 of 4 stars; one submission).

Conditions:
Immunodeficiency, common variable, 10. Also called: IMMUNODEFICIENCY, COMMON VARIABLE, WITH CENTRAL ADRENAL INSUFFICIENCY; DEFICIT IN ANTERIOR PITUITARY FUNCTION AND VARIABLE IMMUNODEFICIENCY. Identifiers: MedGen C3809991, MONDO:0014260, OMIM 615577.

Submission:

Labcorp Genetics (formerly Invitae), Labcorp
Classification: Uncertain significance for Immunodeficiency, common variable, 10. Last evaluated: 2017-12-19. Review status: criteria provided, single submitter. Criteria: Invitae Variant Classification Sherloc (09022015). Collection method: clinical testing. Allele origin: germline.
Comment: This sequence change replaces threonine with serine at codon 429 of the NFKB2 protein (p.Thr429Ser). The threonine residue is weakly conserved and there is a small physicochemical difference between threonine and serine. While this variant is not present in population databases, the frequency information is unreliable, as metrics indicate poor data quality at this position in the ExAC database. In summary, the available evidence is currently insufficient to determine the role of this variant in disease. Therefore, it has been classified as a Variant of Uncertain Significance. Algorithms developed to predict the effect of sequence changes on RNA splicing suggest that this variant may create or strengthen a splice site, but this prediction has not been confirmed by published transcriptional studies. Algorithms developed to predict the effect of missense changes on protein structure and function output the following: SIFT: "Tolerated"; PolyPhen-2: "Benign"; Align-GVGD: "Class C0". The serine amino acid residue is found in multiple mammalian species, suggesting that this missense change does not adversely affect protein function. These predictions have not been confirmed by published functional studies and their clinical significance is uncertain. This variant has not been reported in the literature in individuals with NFKB2-related disease.

NM_001322934.2(NFKB2):c.1285A>T (p.Thr429Ser)

Genes: NFKB2 (nuclear factor kappa B subunit 2; plus strand), LOC130004599 (ATAC-STARR-seq lymphoblastoid silent region 2756; plus strand). Cytogenetic location: 10q24.32.
Variant type: single nucleotide variant.
Coding change: c.1285A>T on transcript NM_001322934.2 (MANE Select); coding-DNA position 1285, A replaced by T.
Protein change: p.Thr429Ser; replaces threonine 429 with serine.
Molecular consequence: missense variant.
Genome position (GRCh38, 1-based): chr10:102,399,455, A>T. VCF-style: chr10-102399455-A-T. GRCh37 (hg19) VCF-style: chr10-104159212-A-T.
Other names: c.1285A>T, p.Thr429Ser (NM_001077494.3, NM_001261403.3, NM_001288724.1 and 2 more transcripts); c.1159A>T, p.Thr387Ser (NM_001322935.1); short protein forms T429S, T387S.
Identifiers: ClinVar variation 541628 (VCV000541628.9), dbSNP rs1405716353, ClinGen allele CA377899283.
Genomic context (GRCh38, chr10:102,399,455, plus strand): 5'-GCCACGGTGCCCAGCAGGGACTCCGGGGAGGAAGCCGCGGAGCCAAGCGCCCCCTCCAGG[A>T]CCCCCCAGTGCGAGCCGCAGGCCCCGGAGATGCTGCAGCGAGGTATGGACTCCGGGGCAC-3'
Protein context (NP_001309863.1, residues 419-439): EAAEPSAPSR[Thr429Ser]PQCEPQAPEM